The following is an entry in ClinVar:

ClinVar aggregate classification (germline): Likely pathogenic (1 of 4 stars; one submission).

Conditions:
Retinoblastoma (RB1). Also called: RETINOBLASTOMA, SOMATIC. Identifiers: Orphanet 790, MedGen C0035335, MeSH D012175, MONDO:0008380, OMIM 180200, HP:0009919. Disease mechanism: loss of function. Inheritance: Both sporadic and heritable forms are tested..

Submission:

Genetic Diagnostic Laboratory, University of Pennsylvania School of Medicine
Classification: Likely pathogenic for Retinoblastoma. Last evaluated: 2024-05-20. Review status: criteria provided, single submitter. Criteria: ACMG Guidelines, 2015. Collection method: clinical testing. Allele origin: germline. Affected: yes. Observed: 1 variant allele.
Comment: Case and Pedigree Information: BILATERAL CASES:1, UNILATERAL CASES:0, TOTAL CASES:1, PEDIGREES:1. ACMG Codes Applied:PM1, PM2

NM_000321.3(RB1):c.-198_-189delinsAA

Gene: RB1 (RB transcriptional corepressor 1; plus strand). Cytogenetic location: 13q14.2.
Variant type: Indel.
Coding change: c.-198_-189delinsAA on transcript NM_000321.3 (MANE Select); 198 bases upstream of the start codon through 189 bases upstream of the start codon, GGAAGTGACG replaced by AA.
Genome position (GRCh38, 1-based): chr13:48,303,715-48,303,724, GGAAGTGACG replaced by AA. VCF-style: chr13-48303715-GGAAGTGACG-AA. GRCh37 (hg19) VCF-style: chr13-48877851-GGAAGTGACG-AA.
Identifiers: ClinVar variation 3237119 (VCV003237119.1), dbSNP rs2542091859.